The following is an entry in ClinVar:

NM_001038.6(SCNN1A):c.1828G>A (p.Ala610Thr)

Gene: SCNN1A (sodium channel epithelial 1 subunit alpha; minus strand). Cytogenetic location: 12p13.31.
Variant type: single nucleotide variant.
Coding change: c.1828G>A on transcript NM_001038.6 (MANE Select); coding-DNA position 1828, G replaced by A.
Protein change: p.Ala610Thr; replaces alanine 610 with threonine.
Molecular consequence: missense variant.
Genome position (GRCh38, 1-based): chr12:6,348,055, C>T on the plus strand (G>A on the coding strand, the complement: SCNN1A is on the minus strand). VCF-style: chr12-6348055-C-T. GRCh37 (hg19) VCF-style: chr12-6457221-C-T.
Other names: c.1897G>A, p.Ala633Thr (NM_001159575.2); c.2005G>A, p.Ala669Thr (NM_001159576.2); short protein forms A610T, A633T, A669T.
Identifiers: ClinVar variation 2663204 (VCV002663204.1), dbSNP rs2497830395, ClinGen allele CA383552866.

ClinVar aggregate classification (germline): Uncertain significance (1 of 4 stars; one submission).

Allele frequency attached by ClinVar (database versions not stated): gnomAD exomes below 0.00001.
gnomAD v4.1: 3 of 1,612,486 alleles (0.00019%); highest among the groups gnomAD compares: Non-Finnish European, 0.00025%; no homozygotes.

Submission:

GeneDx
Classification: Uncertain significance. Last evaluated: 2023-04-13. Review status: criteria provided, single submitter. Criteria: GeneDx Variant Classification Process June 2021. Collection method: clinical testing. Allele origin: germline. Affected: yes.
Comment: Not observed at significant frequency in large population cohorts (gnomAD); In silico analysis supports that this missense variant does not alter protein structure/function; Has not been previously published as pathogenic or benign to our knowledge